The following is an entry in ClinVar:

NM_018026.4(PACS1):c.1992C>T (p.Leu664=)

Gene: PACS1 (phosphofurin acidic cluster sorting protein 1; plus strand). Cytogenetic location: 11q13.2.
Variant type: single nucleotide variant.
Coding change: c.1992C>T on transcript NM_018026.4 (MANE Select); coding-DNA position 1992, C replaced by T.
Protein change: p.Leu664=; no amino-acid change (leucine 664 retained).
Molecular consequence: synonymous variant.
Genome position (GRCh38, 1-based): chr11:66,233,938, C>T. VCF-style: chr11-66233938-C-T. GRCh37 (hg19) VCF-style: chr11-66001409-C-T.
Identifiers: ClinVar variation 1679767 (VCV001679767.4), dbSNP rs780838334, ClinGen allele CA6116718.
Genomic context (GRCh38, chr11:66,233,938, plus strand): 5'-GTCCCTGGCCAACAAGACCTCCGACTGGCTTGGCTACATGCGCTTCCTCATCATCCCCCT[C>T]GGTAAAGACGGGAGGCACCAGGAGGGCGTCGGGCATGAGGGTTCCATAGACAGATGCCTC-3'
Protein context (NP_060496.2, residues 654-674): LGYMRFLIIP[Leu664=]GSHPVAKYLG

ClinVar aggregate classification (germline): Uncertain significance. Review status: criteria provided, multiple submitters, no conflicts (2 of 4 stars). 2 submissions from 2 submitters: Uncertain significance (2). Last evaluated 2023-12-13.

Conditions:
Schuurs-Hoeijmakers syndrome. Also called: PACS1-Related Neurodevelopmental Disorder. Identifiers: Orphanet 329224, MedGen C3554343, MONDO:0014006, OMIM 615009.

Allele frequency attached by ClinVar (database versions not stated): gnomAD exomes below 0.00001 and 0.00001; ExAC 0.00001.
gnomAD v4.1: 4 of 1,570,214 alleles (0.00025%); highest among the groups gnomAD compares: East Asian, 0.0023%; no homozygotes.

Submissions (2):

Labcorp Genetics (formerly Invitae), Labcorp
Classification: Uncertain significance for Schuurs-Hoeijmakers syndrome. Last evaluated: 2023-12-13. Review status: criteria provided, single submitter. Criteria: Invitae Variant Classification Sherloc (09022015). Collection method: clinical testing. Allele origin: germline.
Comment: This sequence change affects codon 664 of the PACS1 mRNA. It is a 'silent' change, meaning that it does not change the encoded amino acid sequence of the PACS1 protein. It affects a nucleotide within the consensus splice site. This variant is present in population databases (rs780838334, gnomAD 0.007%). This variant has not been reported in the literature in individuals affected with PACS1-related conditions. ClinVar contains an entry for this variant (Variation ID: 1679767). Algorithms developed to predict the effect of sequence changes on RNA splicing suggest that this variant is not likely to affect RNA splicing. In summary, the available evidence is currently insufficient to determine the role of this variant in disease. Therefore, it has been classified as a Variant of Uncertain Significance.

New York Genome Center
Classification: Uncertain significance for Schuurs-Hoeijmakers syndrome. Last evaluated: 2022-02-27. Review status: criteria provided, single submitter. Criteria: NYGC Assertion Criteria 2020. Collection method: clinical testing. Allele origin: de novo. Observed: 1 heterozygote. Study: CSER-NYCKidSeq.
Comment: The de novo heterozygous synonymous c.1992C>T (p.Leu664=) variant identified in the PACS1 gene has not been reported in affected individuals in the literature. The variant is absent from gnomAD(v3) database suggesting it is not a common benign variant in the populations represented in that database. The PACS1 gene has 24 exons; this variant affects the second to the last nucleotide of exon 16 suggesting that it may affect the normal mRNA splicing of PACS1. The affected nucleotide is weakly conserved. The c.1992C>T variant is predicted by in silico prediction tools to have neutral effect on the canonical mRNA splicing (Splice AI = 0.01, TRAP = 0.128). In the absence of functional studies, the de novo heterozygous synonymous c.1992C>T (p.Leu664=) variant identified in the PACS1 gene is reported as a variant of uncertain significance.